The following is an entry in ClinVar:

NC_000003.12:g.169764730A>G

Genes: TERC (telomerase RNA component; minus strand), LOC110806306 (telomerase RNA component (TERC) promoter; plus strand). Cytogenetic location: 3q26.2.
Variant type: single nucleotide variant.
Genome position: GRCh38 VCF-style: chr3-169764730-A-G. GRCh37 (hg19) VCF-style: chr3-169482518-A-G.
Identifiers: ClinVar variation 1478704 (VCV001478704.6), dbSNP rs2108182899, ClinGen allele CA436715026.

ClinVar aggregate classification (germline): Uncertain significance (1 of 4 stars; one submission).

Conditions:
Dyskeratosis congenita, autosomal dominant 1 (DKCA1). Also called: Dyskeratosis congenita Scoggins type. Identifiers: Orphanet 1775, MedGen C4551974, MONDO:0007485, OMIM 127550. Inheritance: Variable.

Submission:

Labcorp Genetics (formerly Invitae), Labcorp
Classification: Uncertain significance for Dyskeratosis congenita, autosomal dominant 1. Last evaluated: 2021-07-06. Review status: criteria provided, single submitter. Criteria: Invitae Variant Classification Sherloc (09022015). Collection method: clinical testing. Allele origin: germline.
Comment: This variant occurs in the TERC gene, which encodes an RNA molecule that does not result in a protein product. This variant is not present in population databases (ExAC no frequency). This variant has not been reported in the literature in individuals affected with TERC-related conditions. In summary, the available evidence is currently insufficient to determine the role of this variant in disease. Therefore, it has been classified as a Variant of Uncertain Significance. This variant is located within the hypervariable region that is not conserved in the TERC RNA component (PMID: 10721988, 21844345). The functional significance of this region is not well understood.

Literature cited by the submitters: PubMed 10721988; PubMed 21844345.